The following is an entry in ClinVar:

ClinVar aggregate classification (germline): Uncertain significance. Review status: criteria provided, multiple submitters, no conflicts (2 of 4 stars). 2 submissions from 2 submitters: Uncertain significance (2). Last evaluated 2022-01-26.

Allele frequency attached by ClinVar (database versions not stated): TOPMed 0.00006; ESP Exome Variant Server 0.00008; gnomAD 0.00011 and 0.00013.

Submissions (2):

Labcorp Genetics (formerly Invitae), Labcorp
Classification: Uncertain significance. Last evaluated: 2022-01-26. Review status: criteria provided, single submitter. Criteria: Invitae Variant Classification Sherloc (09022015). Collection method: clinical testing. Allele origin: germline.
Comment: This sequence change replaces proline, which is neutral and non-polar, with threonine, which is neutral and polar, at codon 627 of the CLCNKB protein (p.Pro627Thr). This variant is present in population databases (rs376998876, gnomAD 0.02%). This variant has not been reported in the literature in individuals affected with CLCNKB-related conditions. ClinVar contains an entry for this variant (Variation ID: 447099). Advanced modeling of protein sequence and biophysical properties (such as structural, functional, and spatial information, amino acid conservation, physicochemical variation, residue mobility, and thermodynamic stability) performed at Invitae indicates that this missense variant is not expected to disrupt CLCNKB protein function. In summary, the available evidence is currently insufficient to determine the role of this variant in disease. Therefore, it has been classified as a Variant of Uncertain Significance.

Athena Diagnostics
Classification: Uncertain significance. Last evaluated: 2017-02-01. Review status: criteria provided, single submitter. Criteria: Athena Diagnostics Criteria. Collection method: clinical testing. Allele origin: germline.

NM_000085.5(CLCNKB):c.1879C>A (p.Pro627Thr)

Genes: CLCNKB (chloride voltage-gated channel Kb; plus strand), LOC106501713 (CLCNKB recombination region; plus strand). Cytogenetic location: 1p36.13.
Variant type: single nucleotide variant.
Coding change: c.1879C>A on transcript NM_000085.5 (MANE Select); coding-DNA position 1879, C replaced by A.
Protein change: p.Pro627Thr; replaces proline 627 with threonine.
Molecular consequence: missense variant.
Genome position (GRCh38, 1-based): chr1:16,055,708, C>A. VCF-style: chr1-16055708-C-A. GRCh37 (hg19) VCF-style: chr1-16382203-C-A.
Other names: c.1369C>A, p.Pro457Thr (NM_001165945.2); short protein forms P627T, P457T.
Identifiers: ClinVar variation 447099 (VCV000447099.3), dbSNP rs376998876, ClinGen allele CA624071.